The following is an entry in ClinVar:

ClinVar aggregate classification (germline): Pathogenic (1 of 4 stars; one submission).

Conditions:
Kufor-Rakeb syndrome (KRS). Also called: PARKINSON DISEASE 9, AUTOSOMAL RECESSIVE, JUVENILE-ONSET. Identifiers: Orphanet 306674, Orphanet 314632, MedGen C1847640, MONDO:0011706, OMIM 606693.

Submission:

Undiagnosed Diseases Network, NIH
Classification: Pathogenic for Kufor-Rakeb syndrome. Last evaluated: 2020-01-07. Review status: criteria provided, single submitter. Criteria: ACMG Guidelines, 2015. Collection method: clinical testing. Allele origin: unknown. Inheritance: Autosomal recessive inheritance. Affected: yes. Observed: 1 variant allele, 1 compound heterozygote. Study: Undiagnosed Diseases Network (NIH), UDN.
Comment: The 2 kb deletion removes exons 17-20 of the ATP13A2 gene.

NM_022089.4(ATP13A2):c.1749+442_2251+512del

Gene: ATP13A2 (ATPase cation transporting 13A2; minus strand). Cytogenetic location: 1p36.13.
Variant type: Deletion.
Coding change: c.1749+442_2251+512del on transcript NM_022089.4 (MANE Select); 442 bases into the intron after coding-DNA position 1749 through 512 bases into the intron after coding-DNA position 2251, 1,966 bases deleted.
Molecular consequence: splice acceptor variant, splice donor variant.
Genome position (GRCh38, 1-based): chr1:16,991,222-16,993,187, 1,966 bases deleted. GRCh37 (hg19): chr1:17,317,726-17,319,691.
Other names: c.1734+442_2236+512del (NM_001141974.3, NM_001141973.3).
Identifiers: ClinVar variation 978042 (VCV000978042.3), ClinGen allele CA1139655463.